The following is an entry in ClinVar:

NM_145059.3(FCSK):c.877G>A (p.Asp293Asn)

Gene: FCSK (fucose kinase; plus strand). Cytogenetic location: 16q22.1.
Variant type: single nucleotide variant.
Coding change: c.877G>A on transcript NM_145059.3 (MANE Select); coding-DNA position 877, G replaced by A.
Protein change: p.Asp293Asn; replaces aspartic acid 293 with asparagine.
Molecular consequence: missense variant.
Genome position (GRCh38, 1-based): chr16:70,469,245, G>A. VCF-style: chr16-70469245-G-A. GRCh37 (hg19) VCF-style: chr16-70503148-G-A.
Other names: short protein forms D293N.
Identifiers: ClinVar variation 3897946 (VCV003897946.1).
Genomic context (GRCh38, chr16:70,469,245, plus strand): 5'-GCTGAGAACGTGACCAGGGAGGACTTCCTGGTGGGGAGGCCCCCAGAGTTGGGGCAAGGC[G>A]ATGCAGATGTAGCGGGTTATCTGCAGAGCGCCCGGGCCCAGCTGTGGAGGGAGCTTCGCG-3'
Protein context (NP_659496.2, residues 283-303): VGRPPELGQG[Asp293Asn]ADVAGYLQSA

ClinVar aggregate classification (germline): Uncertain significance (1 of 4 stars; one submission).

Conditions:
Congenital disorder of glycosylation with defective fucosylation 2 (CDGF2). Identifiers: MedGen C5193028, MONDO:0020777, OMIM 618324.

Submission:

Neuberg Centre For Genomic Medicine, NCGM
Classification: Uncertain significance for Congenital disorder of glycosylation with defective fucosylation 2. Last evaluated: 2024-02-01. Review status: criteria provided, single submitter. Criteria: ACMG Guidelines, 2015. Collection method: clinical testing. Allele origin: germline. Inheritance: Autosomal recessive inheritance.
Comment: The above variant has not been previously reported as a pathogenic nor as a benign variant, to our knowledge.